The following is an entry in ClinVar:

ClinVar aggregate classification (germline): Conflicting classifications of pathogenicity. Review status: criteria provided, conflicting classifications (1 of 4 stars). 2 submissions from 2 submitters: Uncertain significance (1); Likely benign (1). Last evaluated 2025-07-09.

Conditions:
Familial thoracic aortic aneurysm and aortic dissection (TAAD). Also called: Thoracic aortic aneurysms and dissections. Identifiers: Orphanet 91387, MedGen C4707243, MONDO:0019625.
Ehlers-Danlos syndrome, kyphoscoliotic type 1 (EDSKSCL1). Also called: EHLERS-DANLOS SYNDROME, OCULAR-SCOLIOTIC TYPE; PLOD1-Related Kyphoscoliotic Ehlers-Danlos Syndrome; Ehlers-Danlos syndrome, hydroxylysine-deficient; EHLERS-DANLOS SYNDROME, TYPE VIA. Identifiers: Orphanet 1900, MedGen C0268342, MONDO:0016002, OMIM 225400. Disease mechanism: loss of function.

Submissions (2):

Labcorp Genetics (formerly Invitae), Labcorp
Classification: Likely benign for Ehlers-Danlos syndrome, kyphoscoliotic type 1. Last evaluated: 2025-07-09. Review status: criteria provided, single submitter. Criteria: Invitae Variant Classification Sherloc (09022015). Collection method: clinical testing. Allele origin: germline.

Ambry Genetics
Classification: Uncertain significance for Familial thoracic aortic aneurysm and aortic dissection. Last evaluated: 2025-05-03. Review status: criteria provided, single submitter. Criteria: Ambry Variant Classification Scheme 2023. Collection method: clinical testing. Allele origin: germline.
Comment: The c.2029-3delC intronic variant, located in intron 18 of the PLOD1 gene, results from a deletion of one nucleotide within intron 18 of the PLOD1 gene. This nucleotide position is not well conserved in available vertebrate species. In silico splice site analysis predicts that this alteration will not have any significant effect on splicing. Based on the available evidence, the clinical significance of this variant remains unclear.

NM_000302.4(PLOD1):c.2029-3del

Gene: PLOD1 (procollagen-lysine,2-oxoglutarate 5-dioxygenase 1; plus strand). Cytogenetic location: 1p36.22.
Variant type: Deletion.
Coding change: c.2029-3del on transcript NM_000302.4 (MANE Select); 3 bases into the intron before coding-DNA position 2029, one base deleted (C; older notation c.2029-3delC).
Molecular consequence: intron variant.
Genome position (GRCh38, 1-based): chr1:11,974,650, C deleted; the last of 3 consecutive C bases (chr1:11,974,648-11,974,650); deleting any one gives the same sequence. VCF-style (leftmost placement, unchanged base first): chr1-11974647-TC-T. GRCh37 (hg19) VCF-style: chr1-12034704-TC-T.
Other names: c.2170-3del (NM_001316320.2); c.2029-3delC (NM_000302.3).
Identifiers: ClinVar variation 940299 (VCV000940299.11), dbSNP rs1273287120, ClinGen allele CA521202965.